The following is an entry in ClinVar:

ClinVar aggregate classification (germline): Likely benign (1 of 4 stars; one submission).

Allele frequency attached by ClinVar (database versions not stated): 1000 Genomes Project 30x 0.00297; 1000 Genomes Project 0.00300; TOPMed 0.00412; gnomAD 0.00463.
gnomAD v4.1: 3,637 of 780,652 alleles (0.47%); highest among the groups gnomAD compares: Non-Finnish European, 0.59%; 12 homozygotes.

Submissions (2):

CeGaT Center for Human Genetics Tuebingen
Classification: Likely benign. Last evaluated: 2023-05-01. Review status: criteria provided, single submitter. Criteria: CeGaT Center For Human Genetics Tuebingen Variant Classification Criteria Version 2. Collection method: clinical testing. Allele origin: germline. Affected: yes. Observed: 7 variant alleles.
Comment: BRSK2: BS2

Dr. Peter K. Rogan Lab, Western University
No classification provided (evidence only). Condition: Uterine corpus endometrial carcinoma. Review status: no classification provided. Collection method: in vitro. Allele origin: not applicable. Functional consequence: retained intron. Not counted in ClinVar's aggregate classification.

NM_001256627.2(BRSK2):c.1288-65G>A

Gene: BRSK2 (BR serine/threonine kinase 2; plus strand). Cytogenetic location: 11p15.5.
Variant type: single nucleotide variant.
Coding change: c.1288-65G>A on transcript NM_001256627.2 (MANE Select); 65 bases into the intron before coding-DNA position 1288, G replaced by A.
Molecular consequence: intron variant.
Genome position (GRCh38, 1-based): chr11:1,450,522, G>A. VCF-style: chr11-1450522-G-A. GRCh37 (hg19) VCF-style: chr11-1471752-G-A.
Other names: NC_000011.9:g.1471752G>A; c.1288-65G>A (NM_001256629.2, NM_003957.4); c.1108-65G>A (NM_001282218.2); c.1426-65G>A (NM_001256630.1).
Identifiers: ClinVar variation 1711270 (VCV001711270.31), dbSNP rs571524859, ClinGen allele CA216134849.
Genomic context (GRCh38, chr11:1,450,522, plus strand): 5'-GGCCTCCCGCCACTGGCCTTTGTCCCCAGCTGGCACCACCCCTGGGCCCGCCTGCCCTGC[G>A]GGTGCCCCCCCGGCCCCCACCCGCCGGGATTGAACCAAACACCAAATCTGTCCCCACCAT-3'